The following is an entry in ClinVar:

ClinVar aggregate classification (germline): Pathogenic. Review status: reviewed by expert panel (3 of 4 stars). 7 submissions from 7 submitters: Pathogenic (1). 6 of the submissions do not count toward it. Last evaluated 2016-09-08.

Conditions:
Hereditary breast ovarian cancer syndrome. Also called: Hereditary breast and ovarian cancer syndrome (HBOC); Hereditary breast and ovarian cancer syndrome; Hereditary breast and ovarian cancer; Hereditary breast and/or ovarian cancer syndrome; Breast and ovarian cancer; BRCA1- and BRCA2-Associated Hereditary Breast and Ovarian Cancer. Identifiers: Orphanet 145, MedGen C0677776, MeSH D061325, MONDO:0003582. Disease mechanism: loss of function.
Breast-ovarian cancer, familial, susceptibility to, 1 (BROVCA1). Also called: OVARIAN CANCER, SUSCEPTIBILITY TO; BRCA1 Hereditary Breast and Ovarian Cancer. Identifiers: Orphanet 145, MedGen C2676676, MONDO:0011450, OMIM 604370. Disease mechanism: loss of function.

Submissions (7):

Evidence-based Network for the Interpretation of Germline Mutant Alleles (ENIGMA)
Classification: Pathogenic for Breast-ovarian cancer, familial, susceptibility to, 1. Last evaluated: 2016-09-08. Review status: reviewed by expert panel. Criteria: ENIGMA BRCA1/2 Classification Criteria (2015). Collection method: curation. Allele origin: germline.
Comment: Variant allele predicted to encode a truncated non-functional protein.

Labcorp Genetics (formerly Invitae), Labcorp
Classification: Pathogenic for Hereditary breast ovarian cancer syndrome. Last evaluated: 2022-01-16. Review status: criteria provided, single submitter. Criteria: Invitae Variant Classification Sherloc (09022015). Collection method: clinical testing. Allele origin: germline. Not counted in ClinVar's aggregate classification.
Comment: For these reasons, this variant has been classified as Pathogenic. This sequence change creates a premature translational stop signal (p.Lys1110Thrfs*4) in the BRCA1 gene. It is expected to result in an absent or disrupted protein product. Loss-of-function variants in BRCA1 are known to be pathogenic (PMID: 20104584). ClinVar contains an entry for this variant (Variation ID: 54841). This variant is also known as 3448delAG. This premature translational stop signal has been observed in individual(s) with hereditary breast cancer (PMID: 15944772). This variant is not present in population databases (gnomAD no frequency).

Quest Diagnostics Nichols Institute San Juan Capistrano
Classification: Pathogenic. Last evaluated: 2021-05-07. Review status: criteria provided, single submitter. Criteria: Quest Diagnostics criteria. Collection method: clinical testing. Allele origin: unknown. Not counted in ClinVar's aggregate classification.
Comment: This frameshift variant causes the premature termination of BRCA1 protein synthesis. In addition, it has been reported in an individual affected with breast cancer in the published literature (PMID: 15944772 (2005)). This variant has not been reported in large, multi-ethnic general populations. Based on the available information, this variant is classified as pathogenic.

Consortium of Investigators of Modifiers of BRCA1/2 (CIMBA), c/o University of Cambridge
Classification: Pathogenic for Breast-ovarian cancer, familial, susceptibility to, 1. Last evaluated: 2015-10-02. Review status: criteria provided, single submitter. Criteria: CIMBA Mutation Classification guidelines May 2016. Collection method: clinical testing. Allele origin: germline. Not counted in ClinVar's aggregate classification.

Research Molecular Genetics Laboratory, Women's College Hospital, University of Toronto
Classification: Pathogenic for Hereditary breast ovarian cancer syndrome. Last evaluated: 2014-01-31. Review status: no assertion criteria provided. Collection method: research. Allele origin: germline. Affected: yes. Study: The Canadian Open Genetics Repository (COGR). Not counted in ClinVar's aggregate classification.

Sharing Clinical Reports Project (SCRP)
Classification: Pathogenic for Breast-ovarian cancer, familial 1. Last evaluated: 2008-08-01. Review status: no assertion criteria provided. Collection method: clinical testing. Allele origin: germline. Not counted in ClinVar's aggregate classification.

Breast Cancer Information Core (BIC) (BRCA1)
Classification: Pathogenic for Breast-ovarian cancer, familial 1. Last evaluated: 2002-05-29. Review status: no assertion criteria provided. Collection method: clinical testing. Allele origin: germline. Affected: yes. Observed: 2 variant alleles. Not counted in ClinVar's aggregate classification.

Literature cited by the submitters: PubMed 20104584 (cited by Labcorp Genetics (formerly Invitae), Labcorp); PubMed 15944772 (cited by Labcorp Genetics (formerly Invitae), Labcorp and Quest Diagnostics Nichols Institute San Juan Capistrano).

NM_007294.4(BRCA1):c.3329_3330del (p.Lys1110fs)

Genes: BRCA1 (BRCA1 DNA repair associated; minus strand), LOC126862571 (BRD4-independent group 4 enhancer GRCh37_chr17:41243136-41244335; plus strand). Cytogenetic location: 17q21.31.
Variant type: Deletion.
Coding change: c.3329_3330del on transcript NM_007294.4 (MANE Select); coding-DNA positions 3329 to 3330, 2 bases deleted (AG; older notation c.3329_3330delAG).
Protein change: p.Lys1110fs; shifts the reading frame from lysine 1110.
Molecular consequence: frameshift variant. On other transcripts: intron variant (137).
Genome position (GRCh38, 1-based): chr17:43,092,201-43,092,202, CT deleted on the plus strand (AG on the coding strand, the reverse complement: BRCA1 is on the minus strand). VCF-style (leftmost placement, unchanged base first): chr17-43092200-GCT-G. GRCh37 (hg19) VCF-style: chr17-41244217-GCT-G.
Other names: 3448delAG; c.788-1170_788-1169del (NM_001407980.1, NM_001407993.1, NM_001407976.1 and 17 more transcripts); c.653-1170_653-1169del (NM_001408451.1); c.644-1170_644-1169del (NM_001408464.1, NM_001408468.1, NM_001408465.1 and 3 more transcripts); c.524-1170_524-1169del (NM_001408498.1, NM_001408501.1, NM_001408500.1 and 3 more transcripts); c.647-1170_647-1169del (NM_001408467.1, NM_001408459.1, NM_001408455.1 and 11 more transcripts); c.584-1170_584-1169del (NM_001408475.1); c.710-1170_710-1169del (NM_001408412.1, NM_001408409.1, NM_001408414.1 and 2 more transcripts); and 42 more; short protein forms K1063fs, K1110fs, K1039fs, K1043fs, K1107fs, K1109fs, K1022fs, K1042fs.
Identifiers: ClinVar variation 54841 (VCV000054841.11), dbSNP rs80357525, ClinGen allele CA002150.
Genomic context (GRCh38, chr17:43,092,200, plus strand): 5'-CTGAAATCAGATATGGAGAGAAATCTGTATTAACAGTCTGAACTACTTCTTCATATTCTT[GCT>G]TTTTTATTTCAGGATGCTTACAATTACTTCCAGGAAGACTTTGTTTATAGACCTCAGGTT-3'